The following is an entry in ClinVar:

ClinVar aggregate classification (germline): Uncertain significance. Review status: criteria provided, multiple submitters, no conflicts (2 of 4 stars). 2 submissions from 2 submitters: Uncertain significance (2). Last evaluated 2026-09-18.

Conditions:
EYS-related disorder. Also called: EYS-related condition.

Allele frequency attached by ClinVar (database versions not stated): TOPMed 0.00002.
gnomAD v4.1: 8 of 1,532,850 alleles (0.00052%); highest among the groups gnomAD compares: East Asian, 0.02%; no homozygotes.

Submissions (2):

PreventionGenetics, part of Exact Sciences
Classification: Uncertain significance for EYS-related condition. Last evaluated: 2026-09-18. Review status: criteria provided, single submitter. Criteria: ACMG Guidelines, 2015. Collection method: clinical testing. Allele origin: germline.
Comment: The EYS c.6197A>G variant is predicted to result in the amino acid substitution p.Gln2066Arg. To our knowledge, this variant has not been reported in the literature. This variant is reported in 0.028% of alleles in individuals of East Asian descent in gnomAD. At this time, the clinical significance of this variant is uncertain due to the absence of conclusive functional and genetic evidence.

Labcorp Genetics (formerly Invitae), Labcorp
Classification: Uncertain significance. Last evaluated: 2021-08-31. Review status: criteria provided, single submitter. Criteria: Invitae Variant Classification Sherloc (09022015). Collection method: clinical testing. Allele origin: germline.
Comment: This sequence change replaces glutamine with arginine at codon 2066 of the EYS protein (p.Gln2066Arg). The glutamine residue is moderately conserved and there is a small physicochemical difference between glutamine and arginine. This variant is not present in population databases (ExAC no frequency). This variant has not been reported in the literature in individuals affected with EYS-related conditions. Algorithms developed to predict the effect of missense changes on protein structure and function are either unavailable or do not agree on the potential impact of this missense change (SIFT: "Tolerated"; PolyPhen-2: "Possibly Damaging"; Align-GVGD: "Class C0"). In summary, the available evidence is currently insufficient to determine the role of this variant in disease. Therefore, it has been classified as a Variant of Uncertain Significance.

NM_001142800.2(EYS):c.6197A>G (p.Gln2066Arg)

Gene: EYS (EGF-like photoreceptor maintenance factor; minus strand). Cytogenetic location: 6q12.
Variant type: single nucleotide variant.
Coding change: c.6197A>G on transcript NM_001142800.2 (MANE Select); coding-DNA position 6197, A replaced by G.
Protein change: p.Gln2066Arg; replaces glutamine 2066 with arginine.
Molecular consequence: missense variant.
Genome position (GRCh38, 1-based): chr6:64,230,819, T>C on the plus strand (A>G on the coding strand, the complement: EYS is on the minus strand). VCF-style: chr6-64230819-T-C. GRCh37 (hg19) VCF-style: chr6-64940712-T-C.
Other names: c.6197A>G, p.Gln2066Arg (NM_001292009.2); c.6197A>G (NM_001142800.1); short protein forms Q2066R.
Identifiers: ClinVar variation 2188401 (VCV002188401.2), dbSNP rs891669766, ClinGen allele CA140296103.